The following is an entry in ClinVar:

ClinVar aggregate classification (germline): Conflicting classifications of pathogenicity. Review status: criteria provided, conflicting classifications (1 of 4 stars). 3 submissions from 3 submitters: Uncertain significance (1); Likely benign (1). 1 of the submissions does not count toward it. Last evaluated 2023-11-13.

Conditions:
TUB-related disorder. Also called: TUB-related condition.

Allele frequency attached by ClinVar (database versions not stated): gnomAD exomes 0.00009; ExAC 0.00016; gnomAD 0.00042 and 0.00044; TOPMed 0.00048; ESP Exome Variant Server 0.00062; 1000 Genomes Project 30x 0.00094; 1000 Genomes Project 0.00120.

Submissions (4):

Labcorp Genetics (formerly Invitae), Labcorp
Classification: Uncertain significance. Last evaluated: 2023-11-13. Review status: criteria provided, single submitter. Criteria: Invitae Variant Classification Sherloc (09022015). Collection method: clinical testing. Allele origin: germline.
Comment: This sequence change replaces alanine, which is neutral and non-polar, with valine, which is neutral and non-polar, at codon 105 of the TUB protein (p.Ala105Val). This variant is present in population databases (rs145623562, gnomAD 0.2%). This variant has not been reported in the literature in individuals affected with TUB-related conditions. ClinVar contains an entry for this variant (Variation ID: 864737). An algorithm developed to predict the effect of missense changes on protein structure and function (PolyPhen-2) suggests that this variant is likely to be disruptive. In summary, the available evidence is currently insufficient to determine the role of this variant in disease. Therefore, it has been classified as a Variant of Uncertain Significance.

Blueprint Genetics
Classification: Likely benign. Last evaluated: 2022-08-25. Review status: criteria provided, single submitter. Criteria: ACMG Guidelines, 2015. Collection method: clinical testing. Allele origin: germline.

PreventionGenetics, part of Exact Sciences
Classification: Likely benign for TUB-related condition. Last evaluated: 2022-02-10. Review status: no assertion criteria provided. Collection method: clinical testing. Allele origin: germline. Not counted in ClinVar's aggregate classification.
Comment: This variant is classified as likely benign based on ACMG/AMP sequence variant interpretation guidelines (Richards et al. 2015 PMID: 25741868, with internal and published modifications).

Dr. Peter K. Rogan Lab, Western University
No classification provided (evidence only). Condition: Clear cell carcinoma of kidney. Review status: no classification provided. Collection method: in vitro. Allele origin: not applicable. Functional consequence: retained intron. Not counted in ClinVar's aggregate classification.

NM_177972.3(TUB):c.149C>T (p.Ala50Val)

Gene: TUB (TUB bipartite transcription factor; plus strand). Cytogenetic location: 11p15.4.
Variant type: single nucleotide variant.
Coding change: c.149C>T on transcript NM_177972.3 (MANE Select); coding-DNA position 149, C replaced by T.
Protein change: p.Ala50Val; replaces alanine 50 with valine.
Molecular consequence: missense variant.
Genome position (GRCh38, 1-based): chr11:8,090,127, C>T. VCF-style: chr11-8090127-C-T. GRCh37 (hg19) VCF-style: chr11-8111674-C-T.
Other names: c.314C>T, p.Ala105Val (NM_003320.5); short protein forms A50V, A105V.
Identifiers: ClinVar variation 864737 (VCV000864737.10), dbSNP rs145623562, ClinGen allele CA5870973.